The following is an entry in ClinVar:

NM_001377229.1(DISP1):c.617T>G (p.Val206Gly)

Gene: DISP1 (dispatched RND transporter family member 1; plus strand). Cytogenetic location: 1q41.
Variant type: single nucleotide variant.
Coding change: c.617T>G on transcript NM_001377229.1 (MANE Select); coding-DNA position 617, T replaced by G.
Protein change: p.Val206Gly; replaces valine 206 with glycine.
Molecular consequence: missense variant. On other transcripts: 5 prime UTR variant (1).
Genome position (GRCh38, 1-based): chr1:222,990,702, T>G. VCF-style: chr1-222990702-T-G. GRCh37 (hg19) VCF-style: chr1-223164044-T-G.
Other names: c.-271T>G (NM_001350630.2); c.617T>G, p.Val206Gly (NM_001369594.1, NM_001377228.1, NM_032890.5); short protein forms V206G.
Identifiers: ClinVar variation 2634693 (VCV002634693.4), dbSNP rs747237302, ClinGen allele CA1408862.

ClinVar aggregate classification (germline): Uncertain significance. Review status: criteria provided, multiple submitters, no conflicts (2 of 4 stars). 2 submissions from 2 submitters: Uncertain significance (2). Last evaluated 2023-04-18.

Conditions:
DISP1-related disorder. Also called: DISP1-related condition.

Allele frequency attached by ClinVar (database versions not stated): gnomAD exomes below 0.00001; TOPMed below 0.00001; ExAC 0.00001.
gnomAD v4.1: 2 of 1,614,152 alleles (0.00012%); highest among the groups gnomAD compares: Non-Finnish European, 0.00017%; no homozygotes.

Submissions (2):

PreventionGenetics, part of Exact Sciences
Classification: Uncertain significance for DISP1-related condition. Last evaluated: 2023-04-18. Review status: criteria provided, single submitter. Criteria: ACMG Guidelines, 2015. Collection method: clinical testing. Allele origin: germline.
Comment: The DISP1 c.617T>G variant is predicted to result in the amino acid substitution p.Val206Gly. To our knowledge, this variant has not been reported in the literature. This variant is reported in 0.0062% of alleles in individuals of African descent in gnomAD. At this time, the clinical significance of this variant is uncertain due to the absence of conclusive functional and genetic evidence.

Labcorp Genetics (formerly Invitae), Labcorp
Classification: Uncertain significance. Last evaluated: 2022-11-19. Review status: criteria provided, single submitter. Criteria: Invitae Variant Classification Sherloc (09022015). Collection method: clinical testing. Allele origin: germline.
Comment: Algorithms developed to predict the effect of missense changes on protein structure and function are either unavailable or do not agree on the potential impact of this missense change (SIFT: "Deleterious"; PolyPhen-2: "Probably Damaging"; Align-GVGD: "Class C15"). This variant has not been reported in the literature in individuals affected with DISP1-related conditions. This variant is present in population databases (rs747237302, gnomAD 0.007%). This sequence change replaces valine, which is neutral and non-polar, with glycine, which is neutral and non-polar, at codon 206 of the DISP1 protein (p.Val206Gly). In summary, the available evidence is currently insufficient to determine the role of this variant in disease. Therefore, it has been classified as a Variant of Uncertain Significance.